The following is an entry in ClinVar:

ClinVar aggregate classification (germline): Pathogenic (1 of 4 stars; one submission).

Conditions:
15q11.2 BP1-BP2 recurrent deletion.

Submission:

New York Genome Center
Classification: Pathogenic for 15q11.2 BP1-BP2 recurrent deletion. Last evaluated: 2023-03-02. Review status: criteria provided, single submitter. Criteria: NYGC Assertion Criteria 2020. Collection method: clinical testing. Allele origin: inherited. Observed: 1 variant allele. Study: PrenatalSEQ.
Comment: The inherited 15q11.2 BP1-BP2 deletion is an interstitial deletion on the long arm of chromosome 15. The 15q proximal region contains a cluster of low copy repeats that lead to recurrent copy number changes in this region. The presence of these repeats make mapping the exact breakpointswith whole genome sequencing difficult, however microarray analysis shows that this region contains 4 OMIM associated genes (NIPA1, NIPA2, CYFIP1, andTUBGCP5). Deletions in this region are associated with 15q11.2 BP1-BP2 recurrent deletion syndrome.

Literature cited by the submitters: PubMed 25689425; PubMed 28387067; PubMed 21841781; PubMed 23258348.

GRCh38/hg38 15q11.2(chr15:22776147-23076393)

Genes: CYFIP1 (cytoplasmic FMR1 interacting protein 1; minus strand), NIPA1 (NIPA magnesium transporter 1; plus strand), NIPA2 (NIPA magnesium transporter 2; plus strand), TUBGCP5 (tubulin gamma complex component 5; minus strand), LOC112272575 (Sharpr-MPRA regulatory region 8478; plus strand) and 13 more. Cytogenetic location: 15q11.2.
Variant type: copy number loss.
Identifiers: ClinVar variation 3235904 (VCV003235904.1).